The following is an entry in ClinVar:

NM_001142800.2(EYS):c.6102_6104delinsAT (p.Phe2034fs)

Gene: EYS (EGF-like photoreceptor maintenance factor; minus strand). Cytogenetic location: 6q12.
Variant type: Indel.
Coding change: c.6102_6104delinsAT on transcript NM_001142800.2 (MANE Select); coding-DNA positions 6102 to 6104, TAC replaced by AT.
Protein change: p.Phe2034fs; shifts the reading frame from phenylalanine 2034.
Molecular consequence: frameshift variant.
Genome position (GRCh38, 1-based): chr6:64,307,057-64,307,059, GTA replaced by AT on the plus strand (TAC replaced by AT on the coding strand, the reverse complement: EYS is on the minus strand). VCF-style: chr6-64307057-GTA-AT. GRCh37 (hg19) VCF-style: chr6-65016950-GTA-AT.
Other names: c.6102_6104delinsAT, p.Phe2034fs (NM_001292009.2); c.6102_6104delTACinsAT (NM_001142800.1); short protein forms F2034fs.
Identifiers: ClinVar variation 3241508 (VCV003241508.2), dbSNP rs2534135876.

ClinVar aggregate classification (germline): Likely pathogenic. Review status: criteria provided, multiple submitters, no conflicts (2 of 4 stars). 2 submissions from 2 submitters: Likely pathogenic (2). Last evaluated 2025-06-12.

Conditions:
Retinitis pigmentosa 25 (RP25). Identifiers: Orphanet 791, MedGen C1864446, MONDO:0011272, OMIM 602772.

Submissions (2):

Natera, Inc.
Classification: Likely pathogenic for Retinitis pigmentosa type 25. Last evaluated: 2025-06-12. Review status: criteria provided, single submitter. Criteria: Natera Variant Classification Schema (03/2026). Collection method: clinical testing. Allele origin: germline.
Comment: The c.6102_6104delTACinsAT variant in EYS is a frameshift variant predicted to shift the reading frame beginning at codon 2034 and leads to a stop codon 5 codons downstream. This variant is expected to result in nonsense mediated decay, truncation, or a dysfunctional protein product. This variant is rare in the general population with a frequency below the threshold expected for the associated phenotype(s). Given the available evidence, this variant is classified as Likely Pathogenic.

Baylor Genetics
Classification: Likely pathogenic for Retinitis pigmentosa 25. Last evaluated: 2023-12-19. Review status: criteria provided, single submitter. Criteria: ACMG Guidelines, 2015. Collection method: clinical testing. Allele origin: unknown.